The following is an entry in ClinVar:

ClinVar aggregate classification (germline): Uncertain significance (1 of 4 stars; one submission).

Conditions:
Familial cancer of breast. Also called: Hereditary breast cancer; BREAST CANCER, FAMILIAL; hereditary breast carcinoma. Identifiers: Orphanet 227535, MedGen C0346153, MONDO:0016419, OMIM 114480. Disease mechanism: loss of function.

Submission:

Labcorp Genetics (formerly Invitae), Labcorp
Classification: Uncertain significance for Familial cancer of breast. Last evaluated: 2023-09-26. Review status: criteria provided, single submitter. Criteria: Invitae Variant Classification Sherloc (09022015). Collection method: clinical testing. Allele origin: germline.
Comment: This sequence change replaces phenylalanine, which is neutral and non-polar, with cysteine, which is neutral and slightly polar, at codon 683 of the BARD1 protein (p.Phe683Cys). In summary, the available evidence is currently insufficient to determine the role of this variant in disease. Therefore, it has been classified as a Variant of Uncertain Significance. An algorithm developed to predict the effect of missense changes on protein structure and function (PolyPhen-2) suggests that this variant is likely to be disruptive. This variant has not been reported in the literature in individuals affected with BARD1-related conditions. This variant is not present in population databases (gnomAD no frequency).

NM_000465.4(BARD1):c.2048T>G (p.Phe683Cys)

Gene: BARD1 (BRCA1 associated RING domain 1; minus strand). Cytogenetic location: 2q35.
Variant type: single nucleotide variant.
Coding change: c.2048T>G on transcript NM_000465.4 (MANE Select); coding-DNA position 2048, T replaced by G.
Protein change: p.Phe683Cys; replaces phenylalanine 683 with cysteine.
Molecular consequence: missense variant. On other transcripts: non-coding transcript variant (3).
Genome position (GRCh38, 1-based): chr2:214,728,962, A>C on the plus strand (T>G on the coding strand, the complement: BARD1 is on the minus strand). VCF-style: chr2-214728962-A-C. GRCh37 (hg19) VCF-style: chr2-215593686-A-C.
Other names: c.1991T>G, p.Phe664Cys (NM_001282543.2); c.695T>G, p.Phe232Cys (NM_001282545.2); c.638T>G, p.Phe213Cys (NM_001282548.2); c.509T>G, p.Phe170Cys (NM_001282549.2); short protein forms F170C, F683C, F664C, F213C, F232C.
Identifiers: ClinVar variation 2763516 (VCV002763516.3), dbSNP rs2469271037, ClinGen allele CA350450727.